The following is an entry in ClinVar:

ClinVar aggregate classification (germline): Uncertain significance (1 of 4 stars; one submission).

Conditions:
Severe combined immunodeficiency due to DNA-PKcs deficiency. Also called: IMMUNODEFICIENCY 26 WITH NEUROLOGIC ABNORMALITIES; Immunodeficiency 26 with or without neurologic abnormalities. Identifiers: Orphanet 317425, MedGen C4014833, MONDO:0014423, OMIM 615966.

Allele frequency attached by ClinVar (database versions not stated): gnomAD exomes below 0.00001; gnomAD 0.00001; ExAC 0.00002; 1000 Genomes Project 30x 0.00016; 1000 Genomes Project 0.00020.
gnomAD v4.1: 2 of 1,566,562 alleles (0.00013%); highest among the groups gnomAD compares: East Asian, 0.0023%; no homozygotes.

Submissions (2):

Labcorp Genetics (formerly Invitae), Labcorp
Classification: Uncertain significance for Severe combined immunodeficiency due to DNA-PKcs deficiency. Last evaluated: 2022-09-07. Review status: criteria provided, single submitter. Criteria: Invitae Variant Classification Sherloc (09022015). Collection method: clinical testing. Allele origin: germline.
Comment: This variant has not been reported in the literature in individuals affected with PRKDC-related conditions. This sequence change affects codon 1788 of the PRKDC mRNA. It is a 'silent' change, meaning that it does not change the encoded amino acid sequence of the PRKDC protein. It affects a nucleotide within the consensus splice site. The frequency data for this variant in the population databases is considered unreliable, as metrics indicate poor data quality at this position in the gnomAD database. Algorithms developed to predict the effect of sequence changes on RNA splicing suggest that this variant may create or strengthen a splice site. In summary, the available evidence is currently insufficient to determine the role of this variant in disease. Therefore, it has been classified as a Variant of Uncertain Significance.

Dr. Peter K. Rogan Lab, Western University
No classification provided (evidence only). Condition: Melanoma. Review status: no classification provided. Collection method: in vitro. Allele origin: not applicable. Functional consequence: retained intron. Not counted in ClinVar's aggregate classification.

NM_006904.7(PRKDC):c.5364G>A (p.Arg1788=)

Gene: PRKDC (protein kinase, DNA-activated, catalytic subunit; minus strand). Cytogenetic location: 8q11.21.
Variant type: single nucleotide variant.
Coding change: c.5364G>A on transcript NM_006904.7 (MANE Select); coding-DNA position 5364, G replaced by A.
Protein change: p.Arg1788=; no amino-acid change (arginine 1788 retained).
Molecular consequence: synonymous variant.
Genome position (GRCh38, 1-based): chr8:47,864,763, C>T on the plus strand (G>A on the coding strand, the complement: PRKDC is on the minus strand). VCF-style: chr8-47864763-C-T. GRCh37 (hg19) VCF-style: chr8-48777324-C-T.
Other names: c.5364G>A, p.Arg1788= (NM_001081640.2).
Identifiers: ClinVar variation 2027505 (VCV002027505.5), dbSNP rs553133153, ClinGen allele CA4740646.